The following is an entry in ClinVar:

ClinVar aggregate classification (germline): Uncertain significance. Review status: criteria provided, multiple submitters, no conflicts (2 of 4 stars). 3 submissions from 3 submitters: Uncertain significance (3). Last evaluated 2025-01-23.

Conditions:
Joubert syndrome. Also called: JOUBERT-BOLTSHAUSER SYNDROME; Familial aplasia of the vermis. Identifiers: Orphanet 475, MedGen C5979921, MONDO:0018772.
Joubert syndrome 1 (JBTS1). Also called: CEREBELLOPARENCHYMAL DISORDER IV; Cerebellooculorenal syndrome 1. Identifiers: MedGen C4551568, MONDO:0008944, OMIM 213300.

Submissions (3):

Labcorp Genetics (formerly Invitae), Labcorp
Classification: Uncertain significance for Joubert syndrome. Last evaluated: 2025-01-23. Review status: criteria provided, single submitter. Criteria: Invitae Variant Classification Sherloc (09022015). Collection method: clinical testing. Allele origin: germline.
Comment: This sequence change falls in intron 4 of the INPP5E gene. It does not directly change the encoded amino acid sequence of the INPP5E protein. This variant is present in population databases (no rsID available, gnomAD no frequency). This variant has been observed in individual(s) with Joubert syndrome (internal data). ClinVar contains an entry for this variant (Variation ID: 986376). In summary, the available evidence is currently insufficient to determine the role of this variant in disease. Therefore, it has been classified as a Variant of Uncertain Significance.

Blueprint Genetics
Classification: Uncertain significance. Last evaluated: 2023-09-19. Review status: criteria provided, single submitter. Criteria: ACMG Guidelines, 2015. Collection method: clinical testing. Allele origin: germline.

Broad Center for Mendelian Genomics, Broad Institute of MIT and Harvard
Classification: Uncertain significance for Joubert syndrome 1. Last evaluated: 2023-05-02. Review status: criteria provided, single submitter. Criteria: ACMG Guidelines, 2015. Collection method: curation. Allele origin: germline. Inheritance: Autosomal recessive inheritance.
Comment: The variant has not been previously reported in individuals with Joubert syndrome 1 but has been identified in 0.008% (1/12144) of European non-Finnish chromosomes by the Genome Aggregation Database (gnomAD; dbSNP ID: rs1239490197). Although this variant has been seen in the general population, its frequency is low enough to be consistent with a recessive carrier frequency. Computational prediction tools, including splice predictors, and conservation analyses suggest that this variant may not impact the protein, though this information is not predictive enough to rule out pathogenicity. The phenotype of an individual heterozygous for this variant is highly specific for Joubert syndrome 1 based on unique phenotype consistent with disease. In summary, the clinical significance of the c.1159+16_1159+33del variant is uncertain. ACMG/AMP Criteria applied: PM2, PP4, BP4, BP7 (Richards 2015).

NM_019892.6(INPP5E):c.1159+16_1159+33del

Gene: INPP5E (inositol polyphosphate-5-phosphatase E; minus strand). Cytogenetic location: 9q34.3.
Variant type: Deletion.
Coding change: c.1159+16_1159+33del on transcript NM_019892.6 (MANE Select); bases 16 to 33 of the intron after coding-DNA position 1159, 18 bases deleted (GGGGTGGGCGCGGCTGGA).
Molecular consequence: splice donor variant.
Genome position (GRCh38, 1-based): chr9:136,433,122-136,433,139, TCCAGCCGCGCCCACCCC deleted on the plus strand (GGGGTGGGCGCGGCTGGA on the coding strand, the reverse complement: INPP5E is on the minus strand); deleting any 18 consecutive bases within chr9:136,433,122-136,433,155 gives the same sequence; the c. name uses the placement nearest the transcript's 3' end. VCF-style (leftmost placement, unchanged base first): chr9-136433121-TTCCAGCCGCGCCCACCCC-T. GRCh37 (hg19) VCF-style: chr9-139327573-TTCCAGCCGCGCCCACCCC-T.
Other names: c.1159+16_1159+33del (NM_001318502.2).
Identifiers: ClinVar variation 986376 (VCV000986376.6), dbSNP rs1239490197, ClinGen allele CA5336904.